The following is an entry in ClinVar:

ClinVar aggregate classification (germline): Likely pathogenic (1 of 4 stars; one submission).

Conditions:
Developmental and epileptic encephalopathy, 27 (DEE27). Also called: GRIN2B-Related Neurodevelopmental Disorder; Epileptic encephalopathy, early infantile, 27. Identifiers: Orphanet 3451, MedGen C4015316, MONDO:0014505, OMIM 616139.

Submission:

3billion
Classification: Likely pathogenic for Developmental and epileptic encephalopathy, 27. Review status: criteria provided, single submitter. Criteria: ACMG Guidelines, 2015. Collection method: clinical testing. Allele origin: unknown. Affected: yes. Observed: 1 heterozygote.
Comment: The variant is not observed in the gnomAD v2.1.1 dataset. The variant is located in a mutational hot spot and/or well-established functional domain in which established pathogenic variants have been reported. Missense changes are a common disease-causing mechanism. In silico tool predictions suggest damaging effect of the variant on gene or gene product (REVEL: 0.64; 3Cnet: 1.00). A different missense change at the same codon (p.Ala733Pro) has been reported to be associated with GRIN2B related disorder (ClinVar ID: VCV001285468). Therefore, this variant is classified as Likely pathogenic according to the recommendation of ACMG/AMP guideline.

NM_000834.5(GRIN2B):c.2198C>A (p.Ala733Glu)

Gene: GRIN2B (glutamate ionotropic receptor NMDA type subunit 2B; minus strand). Cytogenetic location: 12p13.1.
Variant type: single nucleotide variant.
Coding change: c.2198C>A on transcript NM_000834.5 (MANE Select); coding-DNA position 2198, C replaced by A.
Protein change: p.Ala733Glu; replaces alanine 733 with glutamic acid.
Molecular consequence: missense variant.
Genome position (GRCh38, 1-based): chr12:13,569,991, G>T on the plus strand (C>A on the coding strand, the complement: GRIN2B is on the minus strand). VCF-style: chr12-13569991-G-T. GRCh37 (hg19) VCF-style: chr12-13722925-G-T.
Other names: c.2198C>A, p.Ala733Glu (NM_001413992.1); short protein forms A733E.
Identifiers: ClinVar variation 2572472 (VCV002572472.1), dbSNP rs2497482397, ClinGen allele CA383998305.